The following is an entry in ClinVar:

NM_014727.3(KMT2B):c.5482G>C (p.Val1828Leu)

Gene: KMT2B (lysine methyltransferase 2B; plus strand). Cytogenetic location: 19q13.12.
Variant type: single nucleotide variant.
Coding change: c.5482G>C on transcript NM_014727.3 (MANE Select); coding-DNA position 5482, G replaced by C.
Protein change: p.Val1828Leu; replaces valine 1828 with leucine.
Molecular consequence: missense variant.
Genome position (GRCh38, 1-based): chr19:35,731,952, G>C. VCF-style: chr19-35731952-G-C. GRCh37 (hg19) VCF-style: chr19-36222853-G-C.
Other names: short protein forms V1828L.
Identifiers: ClinVar variation 3893358 (VCV003893358.1).

ClinVar aggregate classification (germline): Uncertain significance (1 of 4 stars; one submission).

Submission:

GeneDx
Classification: Uncertain significance. Last evaluated: 2024-10-23. Review status: criteria provided, single submitter. Criteria: GeneDx Variant Classification Process June 2021. Collection method: clinical testing. Allele origin: germline. Affected: yes.
Comment: In silico analysis indicates that this missense variant does not alter protein structure/function; Not observed at significant frequency in large population cohorts (gnomAD); Has not been previously published as pathogenic or benign to our knowledge